The following is an entry in ClinVar:

NM_206933.4(USH2A):c.5573-19A>G

Genes: USH2A-AS2 (USH2A antisense RNA 2; plus strand), USH2A (usherin; minus strand). Cytogenetic location: 1q41.
Variant type: single nucleotide variant.
Coding change: c.5573-19A>G on transcript NM_206933.4 (MANE Select); 19 bases into the intron before coding-DNA position 5573, A replaced by G.
Molecular consequence: intron variant.
Genome position (GRCh38, 1-based): chr1:216,073,319, T>C on the plus strand (A>G on the coding strand, the complement: USH2A is on the minus strand). VCF-style: chr1-216073319-T-C. GRCh37 (hg19) VCF-style: chr1-216246661-T-C.
Identifiers: ClinVar variation 1001957 (VCV001001957.9), dbSNP rs1229686933, ClinGen allele CA528727849.

ClinVar aggregate classification (germline): Conflicting classifications of pathogenicity. Review status: criteria provided, conflicting classifications (1 of 4 stars). 2 submissions from 2 submitters: Uncertain significance (1); Likely benign (1). Last evaluated 2025-07-23.

Conditions:
USH2A-related disorder. Also called: USH2A-related condition; USH2A-related disorders. Identifiers: MedGen CN239332.

Allele frequency attached by ClinVar (database versions not stated): gnomAD exomes 0.00001.
gnomAD v4.1: 3 of 1,557,464 alleles (0.00019%); highest among the groups gnomAD compares: Non-Finnish European, 0.00026%; no homozygotes.

Submissions (2):

Myriad Genetics, Inc.
Classification: Uncertain significance for USH2A-related disorder. Last evaluated: 2025-07-23. Review status: criteria provided, single submitter. Criteria: Myriad Autosomal Dominant, Autosomal Recessive and X-Linked Classification Criteria (2023). Collection method: clinical testing. Allele origin: unknown.
Comment: NM_206933.2(USH2A):c.5573-19A>G is an intronic variant classified as a variant of uncertain significance in the context of USH2A-related disorders. c.5573-19A>G has been observed in a case with relevant disease (PMID: 36785559). Relevant functional assessments of this variant are available in the literature (PMID: 36785559). c.5573-19A>G has been observed in referenced population frequency databases. In summary, there is insufficient evidence to classify NM_206933.2(USH2A):c.5573-19A>G as pathogenic or benign. Please note: this variant was assessed in the context of healthy population screening.

Labcorp Genetics (formerly Invitae), Labcorp
Classification: Likely benign. Last evaluated: 2024-10-22. Review status: criteria provided, single submitter. Criteria: Invitae Variant Classification Sherloc (09022015). Collection method: clinical testing. Allele origin: germline.

Literature cited by the submitters: PubMed 36785559 (cited by Myriad Genetics, Inc.).